The following is an entry in ClinVar:

ClinVar aggregate classification (germline): Uncertain significance (1 of 4 stars; one submission).

gnomAD v4.1: 41 of 1,614,178 alleles (0.0025%); highest among the groups gnomAD compares: South Asian, 0.016%; no homozygotes.

Submission:

Labcorp Genetics (formerly Invitae), Labcorp
Classification: Uncertain significance. Last evaluated: 2024-04-15. Review status: criteria provided, single submitter. Criteria: Invitae Variant Classification Sherloc (09022015). Collection method: clinical testing. Allele origin: germline.
Comment: This sequence change replaces alanine, which is neutral and non-polar, with threonine, which is neutral and polar, at codon 363 of the DIP2C protein (p.Ala363Thr). This variant is present in population databases (rs372112681, gnomAD 0.02%). This variant has not been reported in the literature in individuals affected with DIP2C-related conditions. An algorithm developed to predict the effect of missense changes on protein structure and function (PolyPhen-2) suggests that this variant is likely to be disruptive. In summary, the available evidence is currently insufficient to determine the role of this variant in disease. Therefore, it has been classified as a Variant of Uncertain Significance.

NM_014974.3(DIP2C):c.1087G>A (p.Ala363Thr)

Gene: DIP2C (DIP2 acetate--CoA ligase C (putative); minus strand). Cytogenetic location: 10p15.3.
Variant type: single nucleotide variant.
Coding change: c.1087G>A on transcript NM_014974.3 (MANE Select); coding-DNA position 1087, G replaced by A.
Protein change: p.Ala363Thr; replaces alanine 363 with threonine.
Molecular consequence: missense variant.
Genome position (GRCh38, 1-based): chr10:408,988, C>T on the plus strand (G>A on the coding strand, the complement: DIP2C is on the minus strand). VCF-style: chr10-408988-C-T. GRCh37 (hg19) VCF-style: chr10-454928-C-T.
Other names: short protein forms A363T.
Identifiers: ClinVar variation 3619816 (VCV003619816.2).